The following is an entry in ClinVar:

ClinVar aggregate classification (germline): Pathogenic (1 of 4 stars; one submission).

Submission:

Labcorp Genetics (formerly Invitae), Labcorp
Classification: Pathogenic. Last evaluated: 2022-12-18. Review status: criteria provided, single submitter. Criteria: Invitae Variant Classification Sherloc (09022015). Collection method: clinical testing. Allele origin: germline.
Comment: For these reasons, this variant has been classified as Pathogenic. This variant has not been reported in the literature in individuals affected with ORC4-related conditions. This variant is not present in population databases (gnomAD no frequency). This sequence change creates a premature translational stop signal (p.Gln307*) in the ORC4 gene. It is expected to result in an absent or disrupted protein product. Loss-of-function variants in ORC4 are known to be pathogenic (PMID: 21358631, 21358632, 22333897).

Literature cited by the submitters: PubMed 21358631; PubMed 21358632; PubMed 22333897.

NM_181741.4(ORC4):c.919C>T (p.Gln307Ter)

Gene: ORC4 (origin recognition complex subunit 4; minus strand). Cytogenetic location: 2q23.1.
Variant type: single nucleotide variant.
Coding change: c.919C>T on transcript NM_181741.4 (MANE Select); coding-DNA position 919, C replaced by T.
Protein change: p.Gln307Ter; replaces glutamine 307 with a stop codon.
Molecular consequence: nonsense.
Genome position (GRCh38, 1-based): chr2:147,939,179, G>A on the plus strand (C>T on the coding strand, the complement: ORC4 is on the minus strand). VCF-style: chr2-147939179-G-A. GRCh37 (hg19) VCF-style: chr2-148696748-G-A.
Other names: c.919C>T, p.Gln307Ter (NM_001190879.3, NM_001374270.1, NM_002552.5 and 1 more transcripts); c.667C>T, p.Gln223Ter (NM_001190881.3, NM_001374272.1); c.697C>T, p.Gln233Ter (NM_001190882.3); short protein forms Q233*, Q307*, Q223*.
Identifiers: ClinVar variation 2821989 (VCV002821989.3), dbSNP rs2467866643, ClinGen allele CA348711483.